The following is an entry in ClinVar:

ClinVar aggregate classification (germline): Uncertain significance (1 of 4 stars; one submission).

Conditions:
Hereditary cancer-predisposing syndrome. Also called: Neoplastic Syndromes, Hereditary; Tumor predisposition; Hereditary Cancer Syndrome; Hereditary neoplastic syndrome. Identifiers: Orphanet 140162, MedGen C0027672, MeSH D009386, MONDO:0015356.

Submission:

Ambry Genetics
Classification: Uncertain significance for Hereditary cancer-predisposing syndrome. Last evaluated: 2022-06-16. Review status: criteria provided, single submitter. Criteria: Ambry Variant Classification Scheme 2023. Collection method: clinical testing. Allele origin: germline.
Comment: The p.S353C variant (also known as c.1057A>T), located in coding exon 4 of the MSH6 gene, results from an A to T substitution at nucleotide position 1057. The serine at codon 353 is replaced by cysteine, an amino acid with dissimilar properties. This amino acid position is conserved. In addition, this alteration is predicted to be tolerated by in silico analysis. Since supporting evidence is limited at this time, the clinical significance of this alteration remains unclear.

NM_000179.3(MSH6):c.1057A>T (p.Ser353Cys)

Gene: MSH6 (mutS homolog 6; plus strand). Cytogenetic location: 2p16.3.
Variant type: single nucleotide variant.
Coding change: c.1057A>T on transcript NM_000179.3 (MANE Select); coding-DNA position 1057, A replaced by T.
Protein change: p.Ser353Cys; replaces serine 353 with cysteine.
Molecular consequence: missense variant.
Genome position (GRCh38, 1-based): chr2:47,799,040, A>T. VCF-style: chr2-47799040-A-T. GRCh37 (hg19) VCF-style: chr2-48026179-A-T.
Other names: c.667A>T, p.Ser223Cys (NM_001281492.2); c.151A>T, p.Ser51Cys (NM_001281493.2, NM_001281494.2, NM_001406811.1 and 6 more transcripts); c.1153A>T, p.Ser385Cys (NM_001406795.1, NM_001406802.1); c.1057A>T, p.Ser353Cys (NM_001406796.1, NM_001406798.1, NM_001406800.1 and 4 more transcripts); c.760A>T, p.Ser254Cys (NM_001406797.1, NM_001406801.1, NM_001406805.1 and 10 more transcripts); c.532A>T, p.Ser178Cys (NM_001406799.1, NM_001406806.1, NM_001406807.1); c.979A>T, p.Ser327Cys (NM_001406804.1); c.1063A>T, p.Ser355Cys (NM_001406813.1); and 1 more; short protein forms S178C, S254C, S297C, S385C, S327C, S353C, S51C, S223C.
Identifiers: ClinVar variation 1778895 (VCV001778895.2), dbSNP rs2104316709, ClinGen allele CA346741584.